The following is an entry in ClinVar:

ClinVar aggregate classification (germline): Uncertain significance (1 of 4 stars; one submission).

Allele frequency attached by ClinVar (database versions not stated): gnomAD exomes below 0.00001.
gnomAD v4.1: 1 of 1,614,092 alleles (0.000062%); highest among the groups gnomAD compares: African/African-American, 0.0013%; no homozygotes.

Submission:

Ambry Genetics
Classification: Uncertain significance. Last evaluated: 2021-07-12. Review status: criteria provided, single submitter. Criteria: Ambry Variant Classification Scheme 2023. Collection method: clinical testing. Allele origin: germline.
Comment: The p.M921T variant (also known as c.2762T>C), located in coding exon 1 of the MLH3 gene, results from a T to C substitution at nucleotide position 2762. The methionine at codon 921 is replaced by threonine, an amino acid with similar properties. This amino acid position is conserved. In addition, this alteration is predicted to be tolerated by in silico analysis. Since supporting evidence is limited at this time, the clinical significance of this alteration remains unclear.

NM_001040108.2(MLH3):c.2762T>C (p.Met921Thr)

Gene: MLH3 (mutL homolog 3; minus strand). Cytogenetic location: 14q24.3.
Variant type: single nucleotide variant.
Coding change: c.2762T>C on transcript NM_001040108.2 (MANE Select); coding-DNA position 2762, T replaced by C.
Protein change: p.Met921Thr; replaces methionine 921 with threonine.
Molecular consequence: missense variant.
Genome position (GRCh38, 1-based): chr14:75,046,894, A>G on the plus strand (T>C on the coding strand, the complement: MLH3 is on the minus strand). VCF-style: chr14-75046894-A-G. GRCh37 (hg19) VCF-style: chr14-75513597-A-G.
Other names: c.2762T>C, p.Met921Thr (NM_014381.3); short protein forms M921T.
Identifiers: ClinVar variation 1795710 (VCV001795710.2), dbSNP rs1595084092, ClinGen allele CA390438643.